The following is an entry in ClinVar:

NM_017763.6(RNF43):c.1960A>G (p.Arg654Gly)

Gene: RNF43 (ring finger protein 43; minus strand). Cytogenetic location: 17q22.
Variant type: single nucleotide variant.
Coding change: c.1960A>G on transcript NM_017763.6 (MANE Select); coding-DNA position 1960, A replaced by G.
Protein change: p.Arg654Gly; replaces arginine 654 with glycine.
Molecular consequence: missense variant.
Genome position (GRCh38, 1-based): chr17:58,357,816, T>C on the plus strand (A>G on the coding strand, the complement: RNF43 is on the minus strand). VCF-style: chr17-58357816-T-C. GRCh37 (hg19) VCF-style: chr17-56435177-T-C.
Other names: c.1960A>G, p.Arg654Gly (NM_001305544.3); c.1579A>G, p.Arg527Gly (NM_001305545.2); short protein forms R527G, R654G.
Identifiers: ClinVar variation 1413169 (VCV001413169.8), dbSNP rs1972724071, ClinGen allele CA400386775.

ClinVar aggregate classification (germline): Uncertain significance (1 of 4 stars; one submission).

Allele frequency attached by ClinVar (database versions not stated): TOPMed below 0.00001.

Submission:

Labcorp Genetics (formerly Invitae), Labcorp
Classification: Uncertain significance. Last evaluated: 2021-03-08. Review status: criteria provided, single submitter. Criteria: Invitae Variant Classification Sherloc (09022015). Collection method: clinical testing. Allele origin: germline.
Comment: In summary, the available evidence is currently insufficient to determine the role of this variant in disease. Therefore, it has been classified as a Variant of Uncertain Significance. This sequence change replaces arginine with glycine at codon 654 of the RNF43 protein (p.Arg654Gly). The arginine residue is moderately conserved and there is a moderate physicochemical difference between arginine and glycine. This variant is not present in population databases (ExAC no frequency). This variant has not been reported in the literature in individuals with RNF43-related conditions. Algorithms developed to predict the effect of missense changes on protein structure and function are either unavailable or do not agree on the potential impact of this missense change (SIFT: "Deleterious"; PolyPhen-2: "Probably Damaging"; Align-GVGD: "Class C0").